The following is an entry in ClinVar:

NM_000256.3(MYBPC3):c.2483A>G (p.Glu828Gly)

Gene: MYBPC3 (myosin binding protein C3; minus strand). Cytogenetic location: 11p11.2.
Variant type: single nucleotide variant.
Coding change: c.2483A>G on transcript NM_000256.3 (MANE Select); coding-DNA position 2483, A replaced by G.
Protein change: p.Glu828Gly; replaces glutamic acid 828 with glycine.
Molecular consequence: missense variant.
Genome position (GRCh38, 1-based): chr11:47,337,510, T>C on the plus strand (A>G on the coding strand, the complement: MYBPC3 is on the minus strand). VCF-style: chr11-47337510-T-C. GRCh37 (hg19) VCF-style: chr11-47359061-T-C.
Other names: short protein forms E828G.
Identifiers: ClinVar variation 1791950 (VCV001791950.2), dbSNP rs2495749711, ClinGen allele CA380318268.
Genomic context (GRCh38, chr11:47,337,510, plus strand): 5'-GCGTAGACGCGCATCTCGTACACCACGCCCTCGATCATGCGCCGCGCTTCATGACTCAGC[T>C]CCTGAATCAGGTCGAAGTTCAGCCGCATCCACCGGTAGCTCTTCTTCTTCTTGCGCTCCA-3'
Protein context (NP_000247.2, residues 818-838): WMRLNFDLIQ[Glu828Gly]LSHEARRMIE

ClinVar aggregate classification (germline): Uncertain significance (1 of 4 stars; one submission).

Conditions:
Cardiovascular phenotype. Identifiers: MedGen CN230736.

Submission:

Ambry Genetics
Classification: Uncertain significance for Cardiovascular phenotype. Last evaluated: 2022-04-23. Review status: criteria provided, single submitter. Criteria: Ambry Variant Classification Scheme 2023. Collection method: clinical testing. Allele origin: germline.
Comment: The p.E828G variant (also known as c.2483A>G), located in coding exon 25 of the MYBPC3 gene, results from an A to G substitution at nucleotide position 2483. The glutamic acid at codon 828 is replaced by glycine, an amino acid with similar properties. This amino acid position is conserved. In addition, this alteration is predicted to be tolerated by in silico analysis. Since supporting evidence is limited at this time, the clinical significance of this alteration remains unclear.